The following is an entry in ClinVar:

ClinVar aggregate classification (germline): Uncertain significance (1 of 4 stars; one submission).

Conditions:
Hereditary cancer-predisposing syndrome. Also called: Neoplastic Syndromes, Hereditary; Tumor predisposition; Hereditary Cancer Syndrome; Hereditary neoplastic syndrome. Identifiers: Orphanet 140162, MedGen C0027672, MeSH D009386, MONDO:0015356.

Submission:

Ambry Genetics
Classification: Uncertain significance for Hereditary cancer-predisposing syndrome. Last evaluated: 2022-08-02. Review status: criteria provided, single submitter. Criteria: Ambry Variant Classification Scheme 2023. Collection method: clinical testing. Allele origin: germline.
Comment: The p.R259G variant (also known as c.775A>G), located in coding exon 8 of the CDC73 gene, results from an A to G substitution at nucleotide position 775. The arginine at codon 259 is replaced by glycine, an amino acid with dissimilar properties. This amino acid position is conserved. In addition, this alteration is predicted to be deleterious by in silico analysis. Since supporting evidence is limited at this time, the clinical significance of this alteration remains unclear.

NM_024529.5(CDC73):c.775A>G (p.Arg259Gly)

Gene: CDC73 (cell division cycle 73; plus strand). Cytogenetic location: 1q31.2.
Variant type: single nucleotide variant.
Coding change: c.775A>G on transcript NM_024529.5 (MANE Select); coding-DNA position 775, A replaced by G.
Protein change: p.Arg259Gly; replaces arginine 259 with glycine.
Molecular consequence: missense variant.
Genome position (GRCh38, 1-based): chr1:193,147,912, A>G. VCF-style: chr1-193147912-A-G. GRCh37 (hg19) VCF-style: chr1-193117042-A-G.
Other names: short protein forms R259G.
Identifiers: ClinVar variation 1760480 (VCV001760480.2), dbSNP rs2527336810, ClinGen allele CA343963984.
Genomic context (GRCh38, chr1:193,147,912, plus strand): 5'-CCATTTATATTTTAGAATTTTTCCAAGAACATTTTTGCAATTCTTCAATCTGTAAAAGCC[A>G]GAGAAGAAGGGCGTGCACCTGAACAGCGACCTGCCCCAAATGCAGCACCTGTGGTAAGAA-3'
Protein context (NP_078805.3, residues 249-269): IFAILQSVKA[Arg259Gly]EEGRAPEQRP